The following is an entry in ClinVar:

NM_173573.3(LMNTD2):c.312-1G>A

Gene: LMNTD2 (lamin tail domain containing 2; minus strand). Cytogenetic location: 11p15.5.
Variant type: single nucleotide variant.
Coding change: c.312-1G>A on transcript NM_173573.3 (MANE Select); the canonical splice acceptor site of the intron before coding-DNA position 312, G replaced by A.
Molecular consequence: splice acceptor variant.
Genome position (GRCh38, 1-based): chr11:558,249, C>T on the plus strand (G>A on the coding strand, the complement: LMNTD2 is on the minus strand). VCF-style: chr11-558249-C-T. GRCh37 (hg19) VCF-style: chr11-558249-C-T.
Identifiers: ClinVar variation 4880057 (VCV004880057.1).

ClinVar aggregate classification (germline): Uncertain significance (1 of 4 stars; one submission).

Conditions:
Primary ciliary dyskinesia. Also called: Ciliary dyskinesia. Identifiers: Orphanet 244, MedGen C0008780, MONDO:0016575, HP:0012265.

gnomAD v4.1: 3 of 1,613,334 alleles (0.00019%); highest among the groups gnomAD compares: Non-Finnish European, 0.000085%; no homozygotes.

Submission:

Department of Human Genetics, Hannover Medical School
Classification: Uncertain significance for Primary Ciliary Dyskinesia. Last evaluated: 2026-04-01. Review status: criteria provided, single submitter. Criteria: ACMG Guidelines, 2015. Collection method: research. Allele origin: germline. Affected: no.
Comment: Classification performed by HerediClassify using the following criteria:['PM2_supporting: Variant occures does not occur as homozygous in gnomAD.', 'PP3_splicing_supporting: Variant is predicted to have a splice effect by SpliceAI with evidence strength supporting.', "PP4_moderate: The PICADAR socre of 6.0 exceeds threshold of 6 achieving 'moderate' evidence strength."]